The following is an entry in ClinVar:

ClinVar aggregate classification (germline): Uncertain significance (1 of 4 stars; one submission).

Conditions:
Carnitine palmitoyl transferase 1A deficiency. Also called: Carnitine palmitoyltransferase 1A deficiency; Carnitine palmitoyltransferase type I deficiency; CPT deficiency, hepatic, type IA; CPT I DEFICIENCY; CPT DEFICIENCY, HEPATIC, TYPE I. Identifiers: Orphanet 156, MedGen C1829703, MONDO:0009705, OMIM 255120.

Allele frequency attached by ClinVar (database versions not stated): TOPMed below 0.00001; gnomAD 0.00001.
gnomAD v4.1: 1 of 1,613,726 alleles (0.000062%); highest among the groups gnomAD compares: Non-Finnish European, 0.000085%; no homozygotes.

Submission:

Labcorp Genetics (formerly Invitae), Labcorp
Classification: Uncertain significance for Carnitine palmitoyl transferase 1A deficiency. Last evaluated: 2022-08-04. Review status: criteria provided, single submitter. Criteria: Invitae Variant Classification Sherloc (09022015). Collection method: clinical testing. Allele origin: germline.
Comment: In summary, the available evidence is currently insufficient to determine the role of this variant in disease. Therefore, it has been classified as a Variant of Uncertain Significance. Algorithms developed to predict the effect of missense changes on protein structure and function (SIFT, PolyPhen-2, Align-GVGD) all suggest that this variant is likely to be tolerated. This variant has not been reported in the literature in individuals affected with CPT1A-related conditions. This variant is not present in population databases (gnomAD no frequency). This sequence change replaces asparagine, which is neutral and polar, with aspartic acid, which is acidic and polar, at codon 733 of the CPT1A protein (p.Asn733Asp).

NM_001876.4(CPT1A):c.2197A>G (p.Asn733Asp)

Gene: CPT1A (carnitine palmitoyltransferase 1A; minus strand). Cytogenetic location: 11q13.3.
Variant type: single nucleotide variant.
Coding change: c.2197A>G on transcript NM_001876.4 (MANE Select); coding-DNA position 2197, A replaced by G.
Protein change: p.Asn733Asp; replaces asparagine 733 with aspartic acid.
Molecular consequence: missense variant.
Genome position (GRCh38, 1-based): chr11:68,759,607, T>C on the plus strand (A>G on the coding strand, the complement: CPT1A is on the minus strand). VCF-style: chr11-68759607-T-C. GRCh37 (hg19) VCF-style: chr11-68527075-T-C.
Other names: c.2197A>G, p.Asn733Asp (NM_001031847.3); short protein forms N733D.
Identifiers: ClinVar variation 1975258 (VCV001975258.5), dbSNP rs1223612460, ClinGen allele CA381625548.
Genomic context (GRCh38, chr11:68,759,607, plus strand): 5'-AGGAACTTCTTTTCATACATACCGTCTCAGGGCAAGAGAACTTGGAAGAAATGTGGAAAT[T>C]GATGAGGTTCTCTCCCACAAGGATGTACGACACACCATAGCCGTCATCAGCAACCTGGAG-3'
Protein context (NP_001867.2, residues 723-743): SYILVGENLI[Asn733Asp]FHISSKFSCP